The following is an entry in ClinVar:

NM_015122.3(FCHO1):c.1993C>T (p.Arg665Cys)

Gene: FCHO1 (FCH and mu domain containing endocytic adaptor 1; plus strand). Cytogenetic location: 19p13.11.
Variant type: single nucleotide variant.
Coding change: c.1993C>T on transcript NM_015122.3 (MANE Select); coding-DNA position 1993, C replaced by T.
Protein change: p.Arg665Cys; replaces arginine 665 with cysteine.
Molecular consequence: missense variant. On other transcripts: non-coding transcript variant (36).
Genome position (GRCh38, 1-based): chr19:17,783,072, C>T. VCF-style: chr19-17783072-C-T. GRCh37 (hg19) VCF-style: chr19-17893881-C-T.
Other names: c.1993C>T, p.Arg665Cys (NM_001161357.2, NM_001161358.2, NM_001384370.1 and 13 more transcripts); c.1843C>T, p.Arg615Cys (NM_001161359.2, NM_001384384.1, NM_001384385.1 and 1 more transcripts); c.1954C>T, p.Arg652Cys (NM_001384388.1, NM_001384389.1, NM_001384405.1); c.1918C>T, p.Arg640Cys (NM_001384390.1); c.1876C>T, p.Arg626Cys (NM_001384392.1, NM_001384393.1, NM_001384394.1 and 1 more transcripts); c.1717C>T, p.Arg573Cys (NM_001384396.1, NM_001384397.1, NM_001384398.1 and 5 more transcripts); c.1672C>T, p.Arg558Cys (NM_001384403.1); c.1567C>T, p.Arg523Cys (NM_001384406.1); and 1 more; short protein forms R475C, R558C, R652C, R573C, R615C, R665C, R523C, R626C.
Identifiers: ClinVar variation 1428424 (VCV001428424.5), dbSNP rs200809991, ClinGen allele CA9300714.

ClinVar aggregate classification (germline): Uncertain significance (1 of 4 stars; one submission).

Allele frequency attached by ClinVar (database versions not stated): TOPMed 0.00002; ExAC 0.00003; gnomAD 0.00003; gnomAD exomes 0.00003; 1000 Genomes Project 0.00020; 1000 Genomes Project 30x 0.00031.
gnomAD v4.1: 43 of 1,614,088 alleles (0.0027%); highest among the groups gnomAD compares: South Asian, 0.018%; no homozygotes.

Submission:

Labcorp Genetics (formerly Invitae), Labcorp
Classification: Uncertain significance. Last evaluated: 2022-06-10. Review status: criteria provided, single submitter. Criteria: Invitae Variant Classification Sherloc (09022015). Collection method: clinical testing. Allele origin: germline.
Comment: This sequence change replaces arginine, which is basic and polar, with cysteine, which is neutral and slightly polar, at codon 665 of the FCHO1 protein (p.Arg665Cys). This variant is present in population databases (rs200809991, gnomAD 0.02%). This variant has not been reported in the literature in individuals affected with FCHO1-related conditions. Algorithms developed to predict the effect of missense changes on protein structure and function are either unavailable or do not agree on the potential impact of this missense change (SIFT: "Tolerated"; PolyPhen-2: "Probably Damaging"; Align-GVGD: "Class C0"). Algorithms developed to predict the effect of sequence changes on RNA splicing suggest that this variant may create or strengthen a splice site. In summary, the available evidence is currently insufficient to determine the role of this variant in disease. Therefore, it has been classified as a Variant of Uncertain Significance.